The following is an entry in ClinVar:

ClinVar aggregate classification (germline): Uncertain significance (1 of 4 stars; one submission).

Submission:

GeneDx
Classification: Uncertain significance. Last evaluated: 2025-06-10. Review status: criteria provided, single submitter. Criteria: GeneDx Variant Classification Process June 2021. Collection method: clinical testing. Allele origin: germline. Affected: yes.
Comment: Not observed at significant frequency in large population cohorts (gnomAD); In silico analysis supports that this missense variant has a deleterious effect on protein structure/function; Has not been previously published as pathogenic or benign to our knowledge

NM_001733.7(C1R):c.112T>C (p.Tyr38His)

Gene: C1R (complement C1r; minus strand). Cytogenetic location: 12p13.31.
Variant type: single nucleotide variant.
Coding change: c.112T>C on transcript NM_001733.7 (MANE Select); coding-DNA position 112, T replaced by C.
Protein change: p.Tyr38His; replaces tyrosine 38 with histidine.
Molecular consequence: missense variant.
Genome position (GRCh38, 1-based): chr12:7,091,571, A>G on the plus strand (T>C on the coding strand, the complement: C1R is on the minus strand). VCF-style: chr12-7091571-A-G. GRCh37 (hg19) VCF-style: chr12-7244167-A-G.
Other names: c.154T>C, p.Tyr52His (NM_001354346.2); short protein forms Y38H, Y52H.
Identifiers: ClinVar variation 4538089 (VCV004538089.1).